The following is an entry in ClinVar:

ClinVar aggregate classification (germline): Uncertain significance. Review status: criteria provided, multiple submitters, no conflicts (2 of 4 stars). 2 submissions from 2 submitters: Uncertain significance (2). Last evaluated 2025-04-24.

Allele frequency attached by ClinVar (database versions not stated): ExAC 0.00002; gnomAD 0.00002; TOPMed 0.00002; gnomAD exomes 0.00003.
gnomAD v4.1: 49 of 1,612,364 alleles (0.003%); highest among the groups gnomAD compares: Non-Finnish European, 0.0039%; no homozygotes.

Submissions (2):

Ambry Genetics
Classification: Uncertain significance. Last evaluated: 2025-04-24. Review status: criteria provided, single submitter. Criteria: Ambry Variant Classification Scheme 2023. Collection method: clinical testing. Allele origin: germline.

Labcorp Genetics (formerly Invitae), Labcorp
Classification: Uncertain significance. Last evaluated: 2024-08-13. Review status: criteria provided, single submitter. Criteria: Invitae Variant Classification Sherloc (09022015). Collection method: clinical testing. Allele origin: germline.
Comment: This sequence change replaces glutamic acid, which is acidic and polar, with lysine, which is basic and polar, at codon 902 of the PRPF6 protein (p.Glu902Lys). This variant is present in population databases (rs755725733, gnomAD 0.007%). This variant has not been reported in the literature in individuals affected with PRPF6-related conditions. ClinVar contains an entry for this variant (Variation ID: 2145606). Invitae Evidence Modeling of protein sequence and biophysical properties (such as structural, functional, and spatial information, amino acid conservation, physicochemical variation, residue mobility, and thermodynamic stability) indicates that this missense variant is not expected to disrupt PRPF6 protein function with a negative predictive value of 80%. In summary, the available evidence is currently insufficient to determine the role of this variant in disease. Therefore, it has been classified as a Variant of Uncertain Significance.

NM_012469.4(PRPF6):c.2704G>A (p.Glu902Lys)

Gene: PRPF6 (pre-mRNA processing factor 6; plus strand). Cytogenetic location: 20q13.33.
Variant type: single nucleotide variant.
Coding change: c.2704G>A on transcript NM_012469.4 (MANE Select); coding-DNA position 2704, G replaced by A.
Protein change: p.Glu902Lys; replaces glutamic acid 902 with lysine.
Molecular consequence: missense variant.
Genome position (GRCh38, 1-based): chr20:64,032,871, G>A. VCF-style: chr20-64032871-G-A. GRCh37 (hg19) VCF-style: chr20-62664224-G-A.
Other names: c.2704G>A (NM_012469.3); short protein forms E902K.
Identifiers: ClinVar variation 2145606 (VCV002145606.5), dbSNP rs755725733, ClinGen allele CA9972585.